The following is an entry in ClinVar:

ClinVar aggregate classification (germline): Uncertain significance (1 of 4 stars; one submission).

gnomAD v4.1: 4 of 1,610,750 alleles (0.00025%); highest among the groups gnomAD compares: South Asian, 0.0022%; no homozygotes.

Submission:

Labcorp Genetics (formerly Invitae), Labcorp
Classification: Uncertain significance. Last evaluated: 2025-02-10. Review status: criteria provided, single submitter. Criteria: Invitae Variant Classification Sherloc (09022015). Collection method: clinical testing. Allele origin: germline.
Comment: This sequence change replaces glutamine, which is neutral and polar, with lysine, which is basic and polar, at codon 1144 of the OBSL1 protein (p.Gln1144Lys). This variant is present in population databases (no rsID available, gnomAD 0.003%). This variant has not been reported in the literature in individuals affected with OBSL1-related conditions. ClinVar contains an entry for this variant (Variation ID: 2082143). An algorithm developed to predict the effect of missense changes on protein structure and function (PolyPhen-2) suggests that this variant is likely to be tolerated. In summary, the available evidence is currently insufficient to determine the role of this variant in disease. Therefore, it has been classified as a Variant of Uncertain Significance.

NM_015311.3(OBSL1):c.3430C>A (p.Gln1144Lys)

Gene: OBSL1 (obscurin like cytoskeletal adaptor 1; minus strand). Cytogenetic location: 2q35.
Variant type: single nucleotide variant.
Coding change: c.3430C>A on transcript NM_015311.3 (MANE Select); coding-DNA position 3430, C replaced by A.
Protein change: p.Gln1144Lys; replaces glutamine 1144 with lysine.
Molecular consequence: missense variant.
Genome position (GRCh38, 1-based): chr2:219,558,256, G>T on the plus strand (C>A on the coding strand, the complement: OBSL1 is on the minus strand). VCF-style: chr2-219558256-G-T. GRCh37 (hg19) VCF-style: chr2-220422978-G-T.
Other names: c.3430C>A, p.Gln1144Lys (NM_001173431.2); short protein forms Q1144K.
Identifiers: ClinVar variation 2082143 (VCV002082143.4), dbSNP rs1303505194, ClinGen allele CA350737197.